The following is an entry in ClinVar:

ClinVar aggregate classification (germline): Uncertain significance. Review status: criteria provided, multiple submitters, no conflicts (2 of 4 stars). 2 submissions from 2 submitters: Uncertain significance (2). Last evaluated 2025-09-11.

Conditions:
Inborn genetic diseases. Identifiers: MedGen C0950123, MeSH D030342.

gnomAD v4.1: 11 of 1,612,848 alleles (0.00068%); highest among the groups gnomAD compares: Non-Finnish European, 0.00093%; no homozygotes.

Submissions (2):

Ambry Genetics
Classification: Uncertain significance for Inborn genetic diseases. Last evaluated: 2025-09-11. Review status: criteria provided, single submitter. Criteria: Ambry Variant Classification Scheme 2023. Collection method: clinical testing. Allele origin: germline.

Labcorp Genetics (formerly Invitae), Labcorp
Classification: Uncertain significance. Last evaluated: 2025-07-07. Review status: criteria provided, single submitter. Criteria: Invitae Variant Classification Sherloc (09022015). Collection method: clinical testing. Allele origin: germline.
Comment: This sequence change replaces proline, which is neutral and non-polar, with alanine, which is neutral and non-polar, at codon 1151 of the COL11A2 protein (p.Pro1151Ala). The frequency data for this variant in the population databases is considered unreliable, as metrics indicate poor data quality at this position in the gnomAD database. This variant has not been reported in the literature in individuals affected with COL11A2-related conditions. Invitae Evidence Modeling of protein sequence and biophysical properties (such as structural, functional, and spatial information, amino acid conservation, physicochemical variation, residue mobility, and thermodynamic stability) indicates that this missense variant is not expected to disrupt COL11A2 protein function with a negative predictive value of 95%. In summary, the available evidence is currently insufficient to determine the role of this variant in disease. Therefore, it has been classified as a Variant of Uncertain Significance.

NM_080680.3(COL11A2):c.3451C>G (p.Pro1151Ala)

Gene: COL11A2 (collagen type XI alpha 2 chain; minus strand). Cytogenetic location: 6p21.32.
Variant type: single nucleotide variant.
Coding change: c.3451C>G on transcript NM_080680.3 (MANE Select); coding-DNA position 3451, C replaced by G.
Protein change: p.Pro1151Ala; replaces proline 1151 with alanine.
Molecular consequence: missense variant.
Genome position (GRCh38, 1-based): chr6:33,170,833, G>C on the plus strand (C>G on the coding strand, the complement: COL11A2 is on the minus strand). VCF-style: chr6-33170833-G-C. GRCh37 (hg19) VCF-style: chr6-33138610-G-C.
Other names: c.3271C>G, p.Pro1091Ala (NM_001424108.1); c.2605C>G, p.Pro869Ala (NM_001424109.1); c.2425C>G, p.Pro809Ala (NM_001424110.1, NM_001424111.1); c.1405C>G, p.Pro469Ala (NM_001424112.1); c.3130C>G, p.Pro1044Ala (NM_080679.3); c.3193C>G, p.Pro1065Ala (NM_080681.3); short protein forms P1044A, P1091A, P1065A, P469A, P1151A, P809A, P869A.
Identifiers: ClinVar variation 4231723 (VCV004231723.2).
Genomic context (GRCh38, chr6:33,170,833, plus strand): 5'-CCCCACCTCTCAGCCCCTGTCCTATCCCCCAACACACCTGTAGGCCAATGGGTCCTGGGG[G>C]CCCATTGAATCCTCTTGTTCCTTCATCACCTTTGGCTCCAAAGTGTCCCTGGGGTCCCCG-3'
Protein context (NP_542411.2, residues 1141-1161): GDEGTRGFNG[Pro1151Ala]PGPIGLQGLP